The following is an entry in ClinVar:

ClinVar aggregate classification (germline): Uncertain significance (1 of 4 stars; one submission).

Conditions:
Autosomal recessive severe congenital neutropenia due to G6PC3 deficiency. Also called: NEUTROPENIA, SEVERE CONGENITAL, 4, AUTOSOMAL RECESSIVE; G6PC3 Deficiency. Identifiers: Orphanet 331176, MedGen C2751630, MONDO:0012930, OMIM 612541.

Allele frequency attached by ClinVar (database versions not stated): gnomAD exomes 0.00001 and below 0.00001; gnomAD 0.00003; ExAC 0.00001; TOPMed 0.00002.
gnomAD v4.1: 19 of 1,612,340 alleles (0.0012%); highest among the groups gnomAD compares: African/African-American, 0.0053%; no homozygotes.

Submission:

Labcorp Genetics (formerly Invitae), Labcorp
Classification: Uncertain significance for Autosomal recessive severe congenital neutropenia due to G6PC3 deficiency. Last evaluated: 2021-08-30. Review status: criteria provided, single submitter. Criteria: Invitae Variant Classification Sherloc (09022015). Collection method: clinical testing. Allele origin: germline.
Comment: This sequence change replaces arginine with glutamine at codon 237 of the G6PC3 protein (p.Arg237Gln). The arginine residue is moderately conserved and there is a small physicochemical difference between arginine and glutamine. This variant is present in population databases (rs768565958, ExAC 0.02%). This variant has not been reported in the literature in individuals affected with G6PC3-related conditions. Algorithms developed to predict the effect of missense changes on protein structure and function (SIFT, PolyPhen-2, Align-GVGD) all suggest that this variant is likely to be tolerated. In summary, the available evidence is currently insufficient to determine the role of this variant in disease. Therefore, it has been classified as a Variant of Uncertain Significance.

NM_138387.4(G6PC3):c.710G>A (p.Arg237Gln)

Gene: G6PC3 (glucose-6-phosphatase catalytic subunit 3; plus strand). Cytogenetic location: 17q21.31.
Variant type: single nucleotide variant.
Coding change: c.710G>A on transcript NM_138387.4 (MANE Select); coding-DNA position 710, G replaced by A.
Protein change: p.Arg237Gln; replaces arginine 237 with glutamine.
Molecular consequence: missense variant. On other transcripts: 3 prime UTR variant (1).
Genome position (GRCh38, 1-based): chr17:44,075,712, G>A. VCF-style: chr17-44075712-G-A. GRCh37 (hg19) VCF-style: chr17-42153080-G-A.
Other names: c.*3G>A (NM_001319945.2); c.365G>A, p.Arg122Gln (NM_001384165.1, NM_001384166.1, NM_001384167.1 and 1 more transcripts); short protein forms R237Q, R122Q.
Identifiers: ClinVar variation 1504493 (VCV001504493.5), dbSNP rs768565958, ClinGen allele CA8596135.